The following is an entry in ClinVar:

NM_000051.4(ATM):c.6348-2A>G

Genes: ATM (ATM serine/threonine kinase; plus strand), C11orf65 (chromosome 11 open reading frame 65; minus strand). Cytogenetic location: 11q22.3.
Variant type: single nucleotide variant.
Coding change: c.6348-2A>G on transcript NM_000051.4 (MANE Select); the canonical splice acceptor site of the intron before coding-DNA position 6348, A replaced by G.
Molecular consequence: splice acceptor variant. On other transcripts: intron variant (2).
Genome position (GRCh38, 1-based): chr11:108,319,952, A>G. VCF-style: chr11-108319952-A-G. GRCh37 (hg19) VCF-style: chr11-108190679-A-G.
Other names: c.6348-2A>G (NM_001351834.2); c.641-10881T>C (NM_001330368.2); c.*39-10881T>C (NM_001351110.2).
Identifiers: ClinVar variation 220071 (VCV000220071.9), dbSNP rs864622367, ClinGen allele CA348351.

ClinVar aggregate classification (germline): Likely pathogenic. Review status: criteria provided, multiple submitters, no conflicts (2 of 4 stars). 3 submissions from 3 submitters: Likely pathogenic (3). Last evaluated 2025-09-24.

Conditions:
Hereditary cancer-predisposing syndrome. Also called: Neoplastic Syndromes, Hereditary; Hereditary neoplastic syndrome; Tumor predisposition; Hereditary Cancer Syndrome. Identifiers: Orphanet 140162, MedGen C0027672, MeSH D009386, MONDO:0015356.
Ataxia-telangiectasia syndrome (AT). Also called: Ataxia telangiectasia (A-T); Cerebello-oculocutaneous telangiectasia; Immunodeficiency with ataxia telangiectasia; LOUIS-BAR SYNDROME; AT, COMPLEMENTATION GROUP C; ATAXIA-TELANGIECTASIA, FRESNO VARIANT. Identifiers: Orphanet 100, MedGen C0004135, MONDO:0008840, OMIM 208900.
Familial cancer of breast. Also called: hereditary breast carcinoma; Hereditary breast cancer; BREAST CANCER, FAMILIAL. Identifiers: Orphanet 227535, MedGen C0346153, MONDO:0016419, OMIM 114480. Disease mechanism: loss of function.

Submissions (3):

Labcorp Genetics (formerly Invitae), Labcorp
Classification: Likely pathogenic for Ataxia-telangiectasia syndrome. Last evaluated: 2025-09-24. Review status: criteria provided, single submitter. Criteria: Invitae Variant Classification Sherloc (09022015). Collection method: clinical testing. Allele origin: germline.
Comment: This sequence change affects an acceptor splice site in intron 43 of the ATM gene. It is expected to disrupt RNA splicing. Variants that disrupt the donor or acceptor splice site typically lead to a loss of protein function (PMID: 16199547), and loss-of-function variants in ATM are known to be pathogenic (PMID: 23807571, 25614872). This variant is not present in population databases (gnomAD no frequency). This variant has not been reported in the literature in individuals affected with ATM-related conditions. ClinVar contains an entry for this variant (Variation ID: 220071). Algorithms developed to predict the effect of sequence changes on RNA splicing suggest that this variant may disrupt the consensus splice site. In summary, the currently available evidence indicates that the variant is pathogenic, but additional data are needed to prove that conclusively. Therefore, this variant has been classified as Likely Pathogenic.

Ambry Genetics
Classification: Likely pathogenic for Hereditary cancer-predisposing syndrome. Last evaluated: 2024-12-02. Review status: criteria provided, single submitter. Criteria: Ambry Variant Classification Scheme 2023. Collection method: clinical testing. Allele origin: germline.
Comment: The c.6348-2A>G intronic variant results from an A to G substitution two nucleotides upstream from coding exon 43 in the ATM gene. This nucleotide position is well conserved in available vertebrate species. In silico splice site analysis predicts that this alteration will weaken the native splice acceptor site and may result in the creation or strengthening of a novel splice acceptor site. This variant is considered to be rare based on population cohorts in the Genome Aggregation Database (gnomAD). Alterations that disrupt the canonical splice site are expected to cause aberrant splicing, resulting in an abnormal protein or a transcript that is subject to nonsense-mediated mRNA decay. As such, this alteration is classified as likely pathogenic.

Myriad Genetics, Inc.
Classification: Likely pathogenic for Familial cancer of breast. Last evaluated: 2024-01-29. Review status: criteria provided, single submitter. Criteria: Myriad Autosomal Dominant, Autosomal Recessive and X-Linked Classification Criteria (2023). Collection method: clinical testing. Allele origin: unknown.
Comment: This variant is considered likely pathogenic. This variant occurs within a consensus splice junction and is predicted to result in abnormal mRNA splicing of either an out-of-frame exon or an in-frame exon necessary for protein stability and/or normal function.

Literature cited by the submitters: PubMed 16199547 (cited by Labcorp Genetics (formerly Invitae), Labcorp); PubMed 23807571 (cited by Labcorp Genetics (formerly Invitae), Labcorp); PubMed 25614872 (cited by Labcorp Genetics (formerly Invitae), Labcorp).